The following is an entry in ClinVar:

NM_001458.5(FLNC):c.5307G>C (p.Glu1769Asp)

Genes: FLNC (filamin C; plus strand), FLNC-AS1 (FLNC antisense RNA 1; minus strand). Cytogenetic location: 7q32.1.
Variant type: single nucleotide variant.
Coding change: c.5307G>C on transcript NM_001458.5 (MANE Select); coding-DNA position 5307, G replaced by C.
Protein change: p.Glu1769Asp; replaces glutamic acid 1769 with aspartic acid.
Molecular consequence: missense variant. On other transcripts: non-coding transcript variant (1).
Genome position (GRCh38, 1-based): chr7:128,850,392, G>C. VCF-style: chr7-128850392-G-C. GRCh37 (hg19) VCF-style: chr7-128490446-G-C.
Other names: c.5208G>C, p.Glu1736Asp (NM_001127487.2); short protein forms E1736D, E1769D.
Identifiers: ClinVar variation 1002271 (VCV001002271.9), dbSNP rs1808756761, ClinGen allele CA369204910.

ClinVar aggregate classification (germline): Uncertain significance (1 of 4 stars; one submission).

Conditions:
Myofibrillar myopathy 5. Also called: Filaminopathy (type); FILAMINOPATHY, AUTOSOMAL DOMINANT. Identifiers: Orphanet 171445, MedGen C1836050, MONDO:0012289, OMIM 609524.
Distal myopathy with posterior leg and anterior hand involvement. Also called: WILLIAMS DISTAL MYOPATHY. Identifiers: Orphanet 63273, MedGen C3279722, MONDO:0013550, OMIM 614065.
Hypertrophic cardiomyopathy 26. Also called: Cardiomyopathy, familial hypertrophic, 26. Identifiers: Orphanet 75249, MedGen C4310749, MONDO:0014883, OMIM 617047.

Submission:

Labcorp Genetics (formerly Invitae), Labcorp
Classification: Uncertain significance for Distal myopathy with posterior leg and anterior hand involvement; Myofibrillar myopathy 5; Hypertrophic cardiomyopathy 26. Last evaluated: 2024-02-17. Review status: criteria provided, single submitter. Criteria: Invitae Variant Classification Sherloc (09022015). Collection method: clinical testing. Allele origin: germline.
Comment: This sequence change replaces glutamic acid, which is acidic and polar, with aspartic acid, which is acidic and polar, at codon 1769 of the FLNC protein (p.Glu1769Asp). This variant is not present in population databases (gnomAD no frequency). This variant has not been reported in the literature in individuals affected with FLNC-related conditions. ClinVar contains an entry for this variant (Variation ID: 1002271). Algorithms developed to predict the effect of missense changes on protein structure and function output the following: SIFT: "Not Available"; PolyPhen-2: "Benign"; Align-GVGD: "Not Available". The aspartic acid amino acid residue is found in multiple mammalian species, which suggests that this missense change does not adversely affect protein function. In summary, the available evidence is currently insufficient to determine the role of this variant in disease. Therefore, it has been classified as a Variant of Uncertain Significance.